The following is an entry in ClinVar:

ClinVar aggregate classification (germline): Conflicting classifications of pathogenicity. Review status: criteria provided, conflicting classifications (1 of 4 stars). 4 submissions from 4 submitters: Uncertain significance (3); Likely benign (1). Last evaluated 2024-09-23.

Conditions:
Familial acute necrotizing encephalopathy (IIAE3). Also called: ENCEPHALOPATHY, ACUTE, INFECTION-INDUCED, SUSCEPTIBILITY TO, 3; Susceptibility to Acute Necrotizing Encephalopathy 1. Identifiers: Orphanet 88619, MedGen C2675556, MONDO:0011953, OMIM 608033.

Allele frequency attached by ClinVar (database versions not stated): ExAC 0.00013; ESP Exome Variant Server 0.00015; gnomAD exomes 0.00016 and 0.00045; gnomAD 0.00017.
gnomAD v4.1: 659 of 1,613,780 alleles (0.041%); highest among the groups gnomAD compares: Non-Finnish European, 0.055%; no homozygotes.

Submissions (4):

Blueprint Genetics
Classification: Likely benign. Last evaluated: 2024-09-23. Review status: criteria provided, single submitter. Criteria: ACMG Guidelines, 2015. Collection method: clinical testing. Allele origin: germline.

Labcorp Genetics (formerly Invitae), Labcorp
Classification: Uncertain significance for Familial acute necrotizing encephalopathy. Last evaluated: 2022-06-20. Review status: criteria provided, single submitter. Criteria: Invitae Variant Classification Sherloc (09022015). Collection method: clinical testing. Allele origin: germline.
Comment: This sequence change replaces glycine, which is neutral and non-polar, with cysteine, which is neutral and slightly polar, at codon 940 of the RANBP2 protein (p.Gly940Cys). This variant is present in population databases (rs201001226, gnomAD 0.03%), and has an allele count higher than expected for a pathogenic variant. This variant has not been reported in the literature in individuals affected with RANBP2-related conditions. ClinVar contains an entry for this variant (Variation ID: 1059054). Algorithms developed to predict the effect of missense changes on protein structure and function are either unavailable or do not agree on the potential impact of this missense change (SIFT: "Deleterious"; PolyPhen-2: "Benign"; Align-GVGD: "Class C65"). In summary, the available evidence is currently insufficient to determine the role of this variant in disease. Therefore, it has been classified as a Variant of Uncertain Significance.

GeneDx
Classification: Uncertain significance. Last evaluated: 2020-10-15. Review status: criteria provided, single submitter. Criteria: GeneDx Variant Classification Process June 2021. Collection method: clinical testing. Allele origin: germline. Affected: yes.
Comment: In silico analysis supports that this missense variant has a deleterious effect on protein structure/function; Has not been previously published as pathogenic or benign to our knowledge

Breakthrough Genomics
Classification: Uncertain significance. Review status: criteria provided, single submitter. Criteria: ACMG Guidelines, 2015. Collection method: not provided. Allele origin: germline. Inheritance: Autosomal dominant inheritance. Affected: yes.

NM_006267.5(RANBP2):c.2818G>T (p.Gly940Cys)

Gene: RANBP2 (RAN binding protein 2; plus strand). Cytogenetic location: 2q13.
Variant type: single nucleotide variant.
Coding change: c.2818G>T on transcript NM_006267.5 (MANE Select); coding-DNA position 2818, G replaced by T.
Protein change: p.Gly940Cys; replaces glycine 940 with cysteine.
Molecular consequence: missense variant.
Genome position (GRCh38, 1-based): chr2:108,763,357, G>T. VCF-style: chr2-108763357-G-T. GRCh37 (hg19) VCF-style: chr2-109379813-G-T.
Other names: short protein forms G940C.
Identifiers: ClinVar variation 1059054 (VCV001059054.9), dbSNP rs201001226, ClinGen allele CA1822823.